The following is an entry in ClinVar:

ClinVar aggregate classification (germline): Uncertain significance (1 of 4 stars; one submission).

Conditions:
Hereditary nonpolyposis colorectal neoplasms. Identifiers: MedGen C0009405, MeSH D003123.

Submission:

Labcorp Genetics (formerly Invitae), Labcorp
Classification: Uncertain significance for Hereditary nonpolyposis colorectal neoplasms. Last evaluated: 2023-10-19. Review status: criteria provided, single submitter. Criteria: Invitae Variant Classification Sherloc (09022015). Collection method: clinical testing. Allele origin: germline.
Comment: This sequence change falls in intron 9 of the MSH6 gene. It does not directly change the encoded amino acid sequence of the MSH6 protein. This variant is not present in population databases (gnomAD no frequency). This variant has not been reported in the literature in individuals affected with MSH6-related conditions. This variant is also known as c.4002-4_4020dup (p.Glu1341*). ClinVar contains an entry for this variant (Variation ID: 1444106). In summary, the available evidence is currently insufficient to determine the role of this variant in disease. Therefore, it has been classified as a Variant of Uncertain Significance.

NM_000179.3(MSH6):c.4002-4_4020dup

Gene: MSH6 (mutS homolog 6; plus strand). Cytogenetic location: 2p16.3.
Variant type: Duplication.
Coding change: c.4002-4_4020dup on transcript NM_000179.3 (MANE Select); 4 bases into the intron before coding-DNA position 4002 through coding-DNA position 4020, 23 bases duplicated (TAAGGGAAGTTTGCCTGGCTAGT).
Molecular consequence: splice acceptor variant.
Genome position (GRCh38, 1-based): chr2:47,806,775-47,806,797, TAAGGGAAGTTTGCCTGGCTAGT duplicated; duplicating any 23 consecutive bases within chr2:47,806,774-47,806,797 gives the same sequence; the c. name uses the placement nearest the transcript's 3' end. VCF-style (leftmost placement, unchanged base first): chr2-47806773-T-TTTAAGGGAAGTTTGCCTGGCTAG. GRCh37 (hg19) VCF-style: chr2-48033912-T-TTTAAGGGAAGTTTGCCTGGCTAG.
Other names: c.3096-4_3114dup (NM_001281493.2, NM_001281494.2); c.3612-4_3630dup (NM_001281492.2).
Identifiers: ClinVar variation 1444106 (VCV001444106.6), dbSNP rs2104577963, ClinGen allele CA2573134807.
Genomic context (GRCh38, chr2:47,806,773, plus strand): 5'-AAGGGGAAGGGATGATGCACTATGAAAAAACAAAAAAACTTTTTTTTTTTTTTTTTTAAT[T>TTTAAGGGAAGTTTGCCTGGCTAG]TTAAGGGAAGTTTGCCTGGCTAGTGAAAGGTCAACTGTAGATGCTGAAGCTGTCCATAAA-3'